The following is an entry in ClinVar:

ClinVar aggregate classification (germline): Benign/Likely benign. Review status: criteria provided, multiple submitters, no conflicts (2 of 4 stars). 9 submissions from 9 submitters: Benign (5); Likely benign (1). 3 of the submissions do not count toward it. Last evaluated 2026-01-26.

Conditions:
Neutropenia, severe congenital, 2, autosomal dominant. Identifiers: Orphanet 486, MedGen C2751288, MONDO:0013139, OMIM 613107.

Submissions (9):

Labcorp Genetics (formerly Invitae), Labcorp
Classification: Benign for Neutropenia, severe congenital, 2, autosomal dominant. Last evaluated: 2026-01-26. Review status: criteria provided, single submitter. Criteria: Invitae Variant Classification Sherloc (09022015). Collection method: clinical testing. Allele origin: germline.

Women's Health and Genetics/Laboratory Corporation of America, LabCorp
Classification: Benign. Last evaluated: 2026-01-22. Review status: criteria provided, single submitter. Criteria: LabCorp Variant Classification Summary - May 2015. Collection method: clinical testing. Allele origin: germline.
Comment: Variant summary: GFI1 c.925-12_925-5dupCTCTCTCT is located at a position not widely known to affect splicing. Consensus agreement among computation tools predicts no significant impact on normal splicing. However, these predictions have yet to be confirmed by functional studies. The variant allele was found at a frequency of 0.054 in 1491270 control chromosomes in the gnomAD database, including 585 homozygotes. The observed variant frequency exceeds the estimated maximal expected allele frequency for disease-causing variants in GFI1. To our knowledge, no occurrence of c.925-12_925-5dupCTCTCTCT in individuals affected with GFI1-related conditions and no experimental evidence demonstrating its impact on protein function have been reported. ClinVar contains an entry for this variant (Variation ID: 298180). Based on the evidence outlined above, the variant was classified as benign.

Laboratory of Genetics, Children's Clinical University Hospital Latvia
Classification: Benign. Last evaluated: 2025-02-16. Review status: criteria provided, single submitter. Criteria: ACMG Guidelines, 2015. Collection method: clinical testing. Allele origin: germline. Affected: yes.

Blueprint Genetics
Classification: Likely benign. Last evaluated: 2024-11-26. Review status: criteria provided, single submitter. Criteria: ACMG Guidelines, 2015. Collection method: clinical testing. Allele origin: germline.

Mayo Clinic Laboratories, Mayo Clinic
Classification: Benign. Last evaluated: 2022-09-06. Review status: criteria provided, single submitter. Criteria: ACMG Guidelines, 2015. Collection method: clinical testing. Allele origin: germline. Observed: 61 variant alleles.

GeneDx
Classification: Benign. Last evaluated: 2021-05-04. Review status: criteria provided, single submitter. Criteria: GeneDx Variant Classification Process June 2021. Collection method: clinical testing. Allele origin: germline. Affected: yes.

Clinical Genetics DNA and cytogenetics Diagnostics Lab, Erasmus MC, Erasmus Medical Center
Classification: Benign. Review status: no assertion criteria provided. Collection method: clinical testing. Allele origin: germline. Affected: yes. Study: VKGL Data-share Consensus. Not counted in ClinVar's aggregate classification.

Diagnostic Laboratory, Department of Genetics, University Medical Center Groningen
Classification: Likely benign. Review status: no assertion criteria provided. Collection method: clinical testing. Allele origin: germline. Affected: yes. Study: VKGL Data-share Consensus. Not counted in ClinVar's aggregate classification.

Laboratory of Diagnostic Genome Analysis, Leiden University Medical Center (LUMC)
Classification: Likely benign. Review status: no assertion criteria provided. Collection method: clinical testing. Allele origin: germline. Affected: yes. Study: VKGL Data-share Consensus. Not counted in ClinVar's aggregate classification.

NM_005263.5(GFI1):c.925-40CT[22]

Gene: GFI1 (growth factor independent 1 transcriptional repressor; minus strand). Cytogenetic location: 1p22.1.
Variant type: Microsatellite.
Coding change: c.925-40CT[22] on transcript NM_005263.5 (MANE Select); 22 copies in a row of the 2-base unit CT starting at c.925-40; the reference has 18 copies in a row; four copies, 8 bases duplicated.
Molecular consequence: intron variant.
Genome position (GRCh38, 1-based): chr1:92,478,758-92,478,765, AGAGAGAG duplicated on the plus strand (CTCTCTCT on the coding strand, the reverse complement: GFI1 is on the minus strand); duplicating any 8 consecutive bases within chr1:92,478,758-92,478,794 gives the same sequence; the position shown is the placement nearest the transcript's 3' end. VCF-style (leftmost placement, unchanged base first): chr1-92478757-C-CAGAGAGAG. GRCh37 (hg19) VCF-style: chr1-92944314-C-CAGAGAGAG.
Other names: p.?; c.925-12_925-5dupCTCTCTCT (NM_005263.3, NM_005263.5); c.925-40CT[22] (NM_001127216.3, NM_001127215.3); c.925-12_925-5dup (NM_005263.5).
Identifiers: ClinVar variation 298180 (VCV000298180.24), dbSNP rs35896485, ClinGen allele CA951272.